The following is an entry in ClinVar:

NM_002474.3(MYH11):c.4203C>A (p.Ile1401=)

Genes: MYH11 (myosin heavy chain 11; minus strand), NDE1 (nudE neurodevelopment protein 1; plus strand). Cytogenetic location: 16p13.11.
Variant type: single nucleotide variant.
Coding change: c.4203C>A on transcript NM_002474.3 (MANE Select); coding-DNA position 4203, C replaced by A.
Protein change: p.Ile1401=; no amino-acid change (isoleucine 1401 retained).
Molecular consequence: synonymous variant. On other transcripts: 3 prime UTR variant (2).
Genome position (GRCh38, 1-based): chr16:15,724,323, G>T on the plus strand (C>A on the coding strand, the complement: MYH11 is on the minus strand). VCF-style: chr16-15724323-G-T. GRCh37 (hg19) VCF-style: chr16-15818180-G-T.
Other names: c.4224C>A, p.Ile1408= (NM_001040113.2, NM_001040114.2); c.4203C>A, p.Ile1401= (NM_022844.3); c.*72G>T (NM_001143979.2, NM_017668.3).
Identifiers: ClinVar variation 3070742 (VCV003070742.4), dbSNP rs760611400, ClinGen allele CA7921738.

ClinVar aggregate classification (germline): Likely benign. Review status: criteria provided, multiple submitters, no conflicts (2 of 4 stars). 2 submissions from 2 submitters: Likely benign (2). Last evaluated 2026-05-01.

Conditions:
Familial thoracic aortic aneurysm and aortic dissection (TAAD). Also called: Thoracic aortic aneurysms and dissections. Identifiers: Orphanet 91387, MedGen C4707243, MONDO:0019625.

gnomAD v4.1: 9 of 1,613,968 alleles (0.00056%); highest among the groups gnomAD compares: Admixed American, 0.0033%; no homozygotes.

Submissions (2):

CeGaT Center for Human Genetics Tuebingen
Classification: Likely benign. Last evaluated: 2026-05-01. Review status: criteria provided, single submitter. Criteria: CeGaT Center For Human Genetics Tuebingen Variant Classification Criteria Version 2. Collection method: clinical testing. Allele origin: germline. Affected: yes. Observed: 1 variant allele.
Comment: MYH11: BP4, BP7

All of Us Research Program, National Institutes of Health
Classification: Likely benign for Familial thoracic aortic aneurysm and aortic dissection. Last evaluated: 2024-05-14. Review status: criteria provided, single submitter. Criteria: ACMG Guidelines, 2015. Collection method: clinical testing. Allele origin: germline. Inheritance: Autosomal dominant inheritance. Observed: 2 variant alleles, 2 heterozygotes.
Comment: This study involves interpretation of variants in research participants for the purpose of population health screening. Participant phenotype was not available at the time of variant classification. Additional details can be found in publication PMID: 35346344, PMCID: PMC8962531